The following is an entry in ClinVar:

NM_003562.5(SLC25A11):c.492G>C (p.Val164=)

Gene: SLC25A11 (solute carrier family 25 member 11; minus strand). Cytogenetic location: 17p13.2.
Variant type: single nucleotide variant.
Coding change: c.492G>C on transcript NM_003562.5 (MANE Select); coding-DNA position 492, G replaced by C.
Protein change: p.Val164=; no amino-acid change (valine 164 retained).
Molecular consequence: synonymous variant.
Genome position (GRCh38, 1-based): chr17:4,938,566, C>G on the plus strand (G>C on the coding strand, the complement: SLC25A11 is on the minus strand). VCF-style: chr17-4938566-C-G. GRCh37 (hg19) VCF-style: chr17-4841861-C-G.
Other names: c.459G>C, p.Val153= (NM_001165417.2); c.339G>C, p.Val113= (NM_001165418.2).
Identifiers: ClinVar variation 3633090 (VCV003633090.15).

ClinVar aggregate classification (germline): Likely benign. Review status: criteria provided, multiple submitters, no conflicts (2 of 4 stars). 2 submissions from 2 submitters: Likely benign (2). Last evaluated 2025-12-16.

gnomAD v4.1: 583 of 1,613,994 alleles (0.036%); highest among the groups gnomAD compares: Non-Finnish European, 0.047%; no homozygotes.

Submissions (2):

Labcorp Genetics (formerly Invitae), Labcorp
Classification: Likely benign. Last evaluated: 2025-12-16. Review status: criteria provided, single submitter. Criteria: Invitae Variant Classification Sherloc (09022015). Collection method: clinical testing. Allele origin: germline.

CeGaT Center for Human Genetics Tuebingen
Classification: Likely benign. Last evaluated: 2025-01-01. Review status: criteria provided, single submitter. Criteria: CeGaT Center For Human Genetics Tuebingen Variant Classification Criteria Version 2. Collection method: clinical testing. Allele origin: germline. Affected: yes. Observed: 1 variant allele.
Comment: SLC25A11: BP4, BP7